The following is an entry in ClinVar:

NM_005219.5(DIAPH1):c.118-1G>T

Gene: DIAPH1 (diaphanous related formin 1; minus strand). Cytogenetic location: 5q31.3.
Variant type: single nucleotide variant.
Coding change: c.118-1G>T on transcript NM_005219.5 (MANE Select); the canonical splice acceptor site of the intron before coding-DNA position 118, G replaced by T.
Molecular consequence: splice acceptor variant. On other transcripts: intron variant (1).
Genome position (GRCh38, 1-based): chr5:141,588,251, C>A on the plus strand (G>T on the coding strand, the complement: DIAPH1 is on the minus strand). VCF-style: chr5-141588251-C-A. GRCh37 (hg19) VCF-style: chr5-140967818-C-A.
Other names: c.118-1054G>T (NM_001079812.3); c.118-1G>T (NM_001314007.2).
Identifiers: ClinVar variation 4785942 (VCV004785942.1).
Genomic context (GRCh38, chr5:141,588,251, plus strand): 5'-AGAACATGCACATGCTAAACAAAATGTCCTTACCTCATCTGCCATGAGCCGCTTCAGAGT[C>A]TAGGAAACAGGAAAAAGGAGGGAGAAGAAAGAAGAGAAATCAGTGAAGTACAAGGAAACC-3'

ClinVar aggregate classification (germline): Likely pathogenic (1 of 4 stars; one submission).

Conditions:
Progressive microcephaly-seizures-cortical blindness-developmental delay syndrome. Also called: Seizures, cortical blindness, and microcephaly syndrome. Identifiers: Orphanet 477814, MedGen C5567650, MONDO:0014714, OMIM 616632.
Autosomal dominant nonsyndromic hearing loss 1. Also called: DEAFNESS, AUTOSOMAL DOMINANT 1, WITH OR WITHOUT THROMBOCYTOPENIA; KONIGSMARK SYNDROME. Identifiers: Orphanet 90635, MedGen C1852282, MONDO:0007424, OMIM 124900.

gnomAD v4.1: 1 of 1,611,542 alleles (0.000062%); highest among the groups gnomAD compares: Non-Finnish European, 0.000085%; no homozygotes.

Submission:

Labcorp Genetics (formerly Invitae), Labcorp
Classification: Likely pathogenic for Progressive microcephaly-seizures-cortical blindness-developmental delay syndrome; Autosomal dominant nonsyndromic hearing loss 1. Last evaluated: 2025-08-24. Review status: criteria provided, single submitter. Criteria: Invitae Variant Classification Sherloc (09022015). Collection method: clinical testing. Allele origin: germline.
Comment: This sequence change affects an acceptor splice site in intron 1 of the DIAPH1 gene. It is expected to disrupt RNA splicing. Variants that disrupt the donor or acceptor splice site typically lead to a loss of protein function (PMID: 16199547), and loss-of-function variants in DIAPH1 are known to be pathogenic (PMID: 24781755, 26463574). This variant is not present in population databases (gnomAD no frequency). This variant has not been reported in the literature in individuals affected with DIAPH1-related conditions. Algorithms developed to predict the effect of sequence changes on RNA splicing suggest that this variant may disrupt the consensus splice site. In summary, the currently available evidence indicates that the variant is pathogenic, but additional data are needed to prove that conclusively. Therefore, this variant has been classified as Likely Pathogenic.

Literature cited by the submitters: PubMed 16199547; PubMed 24781755; PubMed 26463574.